The following is an entry in ClinVar:

NM_000214.3(JAG1):c.34C>T (p.Arg12Cys)

Gene: JAG1 (jagged canonical Notch ligand 1; minus strand). Cytogenetic location: 20p12.2.
Variant type: single nucleotide variant.
Coding change: c.34C>T on transcript NM_000214.3 (MANE Select); coding-DNA position 34, C replaced by T.
Protein change: p.Arg12Cys; replaces arginine 12 with cysteine.
Molecular consequence: missense variant.
Genome position (GRCh38, 1-based): chr20:10,673,497, G>A on the plus strand (C>T on the coding strand, the complement: JAG1 is on the minus strand). VCF-style: chr20-10673497-G-A. GRCh37 (hg19) VCF-style: chr20-10654145-G-A.
Other names: short protein forms R12C.
Identifiers: ClinVar variation 1376318 (VCV001376318.10), dbSNP rs1452242699, ClinGen allele CA408244247.

ClinVar aggregate classification (germline): Uncertain significance. Review status: criteria provided, multiple submitters, no conflicts (2 of 4 stars). 2 submissions from 2 submitters: Uncertain significance (2). Last evaluated 2025-09-09.

Conditions:
Alagille syndrome due to a JAG1 point mutation. Also called: JAG1-Related Alagille Syndrome; HEPATIC DUCTULAR HYPOPLASIA, SYNDROMATIC; Alagille Syndrome 1. Identifiers: Orphanet 261619, Orphanet 52, MedGen C1956125, MONDO:0016862, OMIM 118450.
Cardiovascular phenotype. Identifiers: MedGen CN230736.

Allele frequency attached by ClinVar (database versions not stated): TOPMed 0.00001; gnomAD 0.00002.
gnomAD v4.1: 15 of 1,276,314 alleles (0.0012%); highest among the groups gnomAD compares: African/African-American, 0.0093%; no homozygotes.

Submissions (2):

Labcorp Genetics (formerly Invitae), Labcorp
Classification: Uncertain significance for Alagille syndrome due to a JAG1 point mutation. Last evaluated: 2025-09-09. Review status: criteria provided, single submitter. Criteria: Invitae Variant Classification Sherloc (09022015). Collection method: clinical testing. Allele origin: germline.
Comment: This sequence change replaces arginine, which is basic and polar, with cysteine, which is neutral and slightly polar, at codon 12 of the JAG1 protein (p.Arg12Cys). This variant is not present in population databases (gnomAD no frequency). This variant has not been reported in the literature in individuals affected with JAG1-related conditions. ClinVar contains an entry for this variant (Variation ID: 1376318). Invitae Evidence Modeling of protein sequence and biophysical properties (such as structural, functional, and spatial information, amino acid conservation, physicochemical variation, residue mobility, and thermodynamic stability) indicates that this missense variant is not expected to disrupt JAG1 protein function with a negative predictive value of 95%. In summary, the available evidence is currently insufficient to determine the role of this variant in disease. Therefore, it has been classified as a Variant of Uncertain Significance.

Ambry Genetics
Classification: Uncertain significance for Cardiovascular phenotype. Last evaluated: 2021-09-10. Review status: criteria provided, single submitter. Criteria: Ambry Variant Classification Scheme 2023. Collection method: clinical testing. Allele origin: germline.
Comment: The p.R12C variant (also known as c.34C>T), located in coding exon 1 of the JAG1 gene, results from a C to T substitution at nucleotide position 34. The arginine at codon 12 is replaced by cysteine, an amino acid with highly dissimilar properties. This amino acid position is conserved. In addition, this alteration is predicted to be tolerated by in silico analysis. Since supporting evidence is limited at this time, the clinical significance of this alteration remains unclear.